The following is an entry in ClinVar:

ClinVar aggregate classification (germline): Uncertain significance. Review status: criteria provided, multiple submitters, no conflicts (2 of 4 stars). 3 submissions from 3 submitters: Uncertain significance (3). Last evaluated 2025-11-03.

Conditions:
Inborn genetic diseases. Identifiers: MedGen C0950123, MeSH D030342.
Reticular dysgenesis. Also called: ALEUKOCYTOSIS; CONGENITAL ALEUKIA; HEMATOPOIETIC HYPOPLASIA, GENERALIZED; RETICULAR DYSGENESIA; SEVERE COMBINED IMMUNODEFICIENCY WITH LEUKOPENIA; DeVaal disease. Identifiers: Orphanet 33355, MedGen C0272167, MONDO:0009973, OMIM 267500.

Allele frequency attached by ClinVar (database versions not stated): TOPMed below 0.00001; gnomAD 0.00002; gnomAD exomes 0.00004; ExAC 0.00005.
gnomAD v4.1: 64 of 1,612,620 alleles (0.004%); highest among the groups gnomAD compares: South Asian, 0.046%; no homozygotes.

Submissions (3):

Labcorp Genetics (formerly Invitae), Labcorp
Classification: Uncertain significance for Reticular dysgenesis. Last evaluated: 2025-11-03. Review status: criteria provided, single submitter. Criteria: Invitae Variant Classification Sherloc (09022015). Collection method: clinical testing. Allele origin: germline.
Comment: This sequence change replaces proline, which is neutral and non-polar, with serine, which is neutral and polar, at codon 158 of the AK2 protein (p.Pro158Ser). This variant is present in population databases (rs552815574, gnomAD 0.03%). This variant has not been reported in the literature in individuals affected with AK2-related conditions. ClinVar contains an entry for this variant (Variation ID: 1480201). An algorithm developed to predict the effect of missense changes on protein structure and function (PolyPhen-2) suggests that this variant is likely to be disruptive. In summary, the available evidence is currently insufficient to determine the role of this variant in disease. Therefore, it has been classified as a Variant of Uncertain Significance.

Ambry Genetics
Classification: Uncertain significance for Inborn genetic diseases. Last evaluated: 2023-06-13. Review status: criteria provided, single submitter. Criteria: Ambry Variant Classification Scheme 2023. Collection method: clinical testing. Allele origin: germline.

Blueprint Genetics
Classification: Uncertain significance. Last evaluated: 2022-03-27. Review status: criteria provided, single submitter. Criteria: ACMG Guidelines, 2015. Collection method: clinical testing. Allele origin: germline.

NM_001625.4(AK2):c.472C>T (p.Pro158Ser)

Gene: AK2 (adenylate kinase 2; minus strand). Cytogenetic location: 1p35.1.
Variant type: single nucleotide variant.
Coding change: c.472C>T on transcript NM_001625.4 (MANE Select); coding-DNA position 472, C replaced by T.
Protein change: p.Pro158Ser; replaces proline 158 with serine.
Molecular consequence: missense variant. On other transcripts: non-coding transcript variant (1).
Genome position (GRCh38, 1-based): chr1:33,014,548, G>A on the plus strand (C>T on the coding strand, the complement: AK2 is on the minus strand). VCF-style: chr1-33014548-G-A. GRCh37 (hg19) VCF-style: chr1-33480149-G-A.
Other names: c.448C>T, p.Pro150Ser (NM_001199199.3); c.328C>T, p.Pro110Ser (NM_001319139.3, NM_001319140.2); c.472C>T, p.Pro158Ser (NM_001319141.3, NM_013411.5); c.346C>T, p.Pro116Ser (NM_001319142.3); c.377C>T, p.Pro126Leu (NM_001319143.2); c.472C>T (NM_001625.3); short protein forms P150S, P158S, P110S, P116S, P126L.
Identifiers: ClinVar variation 1480201 (VCV001480201.8), dbSNP rs552815574, ClinGen allele CA747111.